The following is an entry in ClinVar:

NM_001177693.2(ARHGEF28):c.2510C>A (p.Pro837His)

Gene: ARHGEF28 (Rho guanine nucleotide exchange factor 28; plus strand). Cytogenetic location: 5q13.2.
Variant type: single nucleotide variant.
Coding change: c.2510C>A on transcript NM_001177693.2 (MANE Select); coding-DNA position 2510, C replaced by A.
Protein change: p.Pro837His; replaces proline 837 with histidine.
Molecular consequence: missense variant.
Genome position (GRCh38, 1-based): chr5:73,870,153, C>A. VCF-style: chr5-73870153-C-A. GRCh37 (hg19) VCF-style: chr5-73165978-C-A.
Other names: c.2510C>A, p.Pro837His (NM_001080479.3, NM_001388078.1); c.1571C>A, p.Pro524His (NM_001244364.2); c.2216C>A, p.Pro739His (NM_001388076.1); short protein forms P524H, P739H, P837H.
Identifiers: ClinVar variation 2655526 (VCV002655526.24), dbSNP rs368864097, ClinGen allele CA3304880.

ClinVar aggregate classification (germline): Uncertain significance (1 of 4 stars; one submission).

Allele frequency attached by ClinVar (database versions not stated): ExAC 0.00002; gnomAD 0.00002; gnomAD exomes 0.00005; ESP Exome Variant Server 0.00008.
gnomAD v4.1: 81 of 1,613,674 alleles (0.005%); highest among the groups gnomAD compares: Non-Finnish European, 0.0067%; no homozygotes.

Submission:

CeGaT Center for Human Genetics Tuebingen
Classification: Uncertain significance. Last evaluated: 2022-07-01. Review status: criteria provided, single submitter. Criteria: CeGaT Center For Human Genetics Tuebingen Variant Classification Criteria Version 2. Collection method: clinical testing. Allele origin: germline. Affected: yes. Observed: 1 variant allele.
Comment: ARHGEF28: PM2, BP4